The following is an entry in ClinVar:

NM_003823.4(TNFRSF6B):c.436C>T (p.Gln146Ter)

Genes: RTEL1-TNFRSF6B (RTEL1-TNFRSF6B readthrough (NMD candidate); plus strand), TNFRSF6B (TNF receptor superfamily member 6b; plus strand). Cytogenetic location: 20q13.33.
Variant type: single nucleotide variant.
Coding change: c.436C>T on transcript NM_003823.4 (MANE Select); coding-DNA position 436, C replaced by T.
Protein change: p.Gln146Ter; replaces glutamine 146 with a stop codon.
Molecular consequence: nonsense. On other transcripts: non-coding transcript variant (1).
Genome position (GRCh38, 1-based): chr20:63,697,339, C>T. VCF-style: chr20-63697339-C-T. GRCh37 (hg19) VCF-style: chr20-62328692-C-T.
Other names: short protein forms Q146*.
Identifiers: ClinVar variation 3657986 (VCV003657986.2).

ClinVar aggregate classification (germline): Uncertain significance (1 of 4 stars; one submission).

Submission:

Labcorp Genetics (formerly Invitae), Labcorp
Classification: Uncertain significance. Last evaluated: 2024-06-28. Review status: criteria provided, single submitter. Criteria: Invitae Variant Classification Sherloc (09022015). Collection method: clinical testing. Allele origin: germline.
Comment: This sequence change creates a premature translational stop signal (p.Gln146*) in the TNFRSF6B gene. It is expected to result in an absent or disrupted protein product. However, the current clinical and genetic evidence is not sufficient to establish whether loss-of-function variants in TNFRSF6B cause disease. This variant is not present in population databases (gnomAD no frequency). This variant has not been reported in the literature in individuals affected with TNFRSF6B-related conditions. In summary, the available evidence is currently insufficient to determine the role of this variant in disease. Therefore, it has been classified as a Variant of Uncertain Significance.